The following is an entry in ClinVar:

ClinVar aggregate classification (germline): Uncertain significance (1 of 4 stars; one submission).

Conditions:
Spermatogenic failure 18. Identifiers: MedGen C4539783, MONDO:0054615, OMIM 617576.
Ciliary dyskinesia, primary, 37 (CILD37). Also called: CILIARY DYSKINESIA, PRIMARY, 37, WITH OR WITHOUT SITUS INVERSUS. Identifiers: MedGen C4539798, MONDO:0033204, OMIM 617577.

gnomAD v4.1: 1 of 1,608,242 alleles (0.000062%); highest among the groups gnomAD compares: Admixed American, 0.0017%; no homozygotes.

Submission:

Labcorp Genetics (formerly Invitae), Labcorp
Classification: Uncertain significance for Ciliary dyskinesia, primary, 37; Spermatogenic failure 18. Last evaluated: 2025-11-23. Review status: criteria provided, single submitter. Criteria: Invitae Variant Classification Sherloc (09022015). Collection method: clinical testing. Allele origin: germline.
Comment: This sequence change replaces serine, which is neutral and polar, with alanine, which is neutral and non-polar, at codon 3933 of the DNAH1 protein (p.Ser3933Ala). This variant is present in population databases (no rsID available, gnomAD 0.003%). This variant has not been reported in the literature in individuals affected with DNAH1-related conditions. An algorithm developed to predict the effect of missense changes on protein structure and function (PolyPhen-2) suggests that this variant is likely to be tolerated. In summary, the available evidence is currently insufficient to determine the role of this variant in disease. Therefore, it has been classified as a Variant of Uncertain Significance.

NM_015512.5(DNAH1):c.11797T>G (p.Ser3933Ala)

Gene: DNAH1 (dynein axonemal heavy chain 1; plus strand). Cytogenetic location: 3p21.1.
Variant type: single nucleotide variant.
Coding change: c.11797T>G on transcript NM_015512.5 (MANE Select); coding-DNA position 11797, T replaced by G.
Protein change: p.Ser3933Ala; replaces serine 3933 with alanine.
Molecular consequence: missense variant.
Genome position (GRCh38, 1-based): chr3:52,397,716, T>G. VCF-style: chr3-52397716-T-G. GRCh37 (hg19) VCF-style: chr3-52431732-T-G.
Other names: short protein forms S3933A.
Identifiers: ClinVar variation 4787557 (VCV004787557.1).